The following is an entry in ClinVar:

NM_001142556.2(HMMR):c.1395G>A (p.Ala465=)

Genes: HMMR (hyaluronan mediated motility receptor; plus strand), HMMR-AS1 (HMMR antisense RNA 1; minus strand). Cytogenetic location: 5q34.
Variant type: single nucleotide variant.
Coding change: c.1395G>A on transcript NM_001142556.2 (MANE Select); coding-DNA position 1395, G replaced by A.
Protein change: p.Ala465=; no amino-acid change (alanine 465 retained).
Molecular consequence: synonymous variant. On other transcripts: non-coding transcript variant (1).
Genome position (GRCh38, 1-based): chr5:163,482,651, G>A. VCF-style: chr5-163482651-G-A. GRCh37 (hg19) VCF-style: chr5-162909657-G-A.
Other names: c.1134G>A, p.Ala378= (NM_001142557.2); c.1392G>A, p.Ala464= (NM_012484.3); c.1347G>A, p.Ala449= (NM_012485.3).
Identifiers: ClinVar variation 2656024 (VCV002656024.24), dbSNP rs369594651, ClinGen allele CA3545899.

ClinVar aggregate classification (germline): Likely benign (1 of 4 stars; one submission).

Allele frequency attached by ClinVar (database versions not stated): ESP Exome Variant Server 0.00008; gnomAD 0.00008; TOPMed 0.00018; ExAC 0.00031.
gnomAD v4.1: 183 of 1,609,896 alleles (0.011%); highest among the groups gnomAD compares: East Asian, 0.29%; no homozygotes.

Submission:

CeGaT Center for Human Genetics Tuebingen
Classification: Likely benign. Last evaluated: 2022-07-01. Review status: criteria provided, single submitter. Criteria: CeGaT Center For Human Genetics Tuebingen Variant Classification Criteria Version 2. Collection method: clinical testing. Allele origin: germline. Affected: yes. Observed: 1 variant allele.
Comment: HMMR: BP4, BP7